The following is an entry in ClinVar:

ClinVar aggregate classification (germline): Uncertain significance. Review status: criteria provided, multiple submitters, no conflicts (2 of 4 stars). 2 submissions from 2 submitters: Uncertain significance (2). Last evaluated 2023-01-17.

Conditions:
Long QT syndrome (LQTS). Identifiers: MedGen C0023976, MeSH D008133, MONDO:0002442. Disease mechanism: loss of function. Inheritance: Various modes of inheritance.

Allele frequency attached by ClinVar (database versions not stated): gnomAD exomes 0.00001; TOPMed 0.00001; gnomAD 0.00002.
gnomAD v4.1: 21 of 1,595,130 alleles (0.0013%); highest among the groups gnomAD compares: Middle Eastern, 0.033%; no homozygotes.

Submissions (2):

Labcorp Genetics (formerly Invitae), Labcorp
Classification: Uncertain significance for Long QT syndrome. Last evaluated: 2023-01-17. Review status: criteria provided, single submitter. Criteria: Invitae Variant Classification Sherloc (09022015). Collection method: clinical testing. Allele origin: germline.
Comment: In summary, the available evidence is currently insufficient to determine the role of this variant in disease. Therefore, it has been classified as a Variant of Uncertain Significance. Variants that disrupt the consensus splice site are a relatively common cause of aberrant splicing (PMID: 17576681, 9536098). Algorithms developed to predict the effect of sequence changes on RNA splicing suggest that this variant is not likely to affect RNA splicing. ClinVar contains an entry for this variant (Variation ID: 93400). This variant has been observed in individual(s) with clinical features of CACNA1C-related conditions (PMID: 31130284). This variant is present in population databases (rs398123520, gnomAD 0.003%). This sequence change falls in intron 24 of the CACNA1C gene. It does not directly change the encoded amino acid sequence of the CACNA1C protein. It affects a nucleotide within the consensus splice site.

Eurofins Ntd Llc (ga)
Classification: Uncertain significance. Last evaluated: 2013-06-21. Review status: criteria provided, single submitter. Criteria: EGL Classification Definitions 2015. Collection method: clinical testing. Allele origin: germline. Observed: 2 variant alleles, 2 heterozygotes.

Literature cited by the submitters: PubMed 17576681 (cited by Labcorp Genetics (formerly Invitae), Labcorp); PubMed 9536098 (cited by Labcorp Genetics (formerly Invitae), Labcorp); PubMed 31130284 (cited by Labcorp Genetics (formerly Invitae), Labcorp).

NM_000719.7(CACNA1C):c.3156+6G>C

Gene: CACNA1C (calcium voltage-gated channel subunit alpha1 C; plus strand). Cytogenetic location: 12p13.33.
Variant type: single nucleotide variant.
Coding change: c.3156+6G>C on transcript NM_000719.7 (MANE Select); 6 bases into the intron after coding-DNA position 3156, G replaced by C.
Molecular consequence: intron variant.
Genome position (GRCh38, 1-based): chr12:2,605,792, G>C. VCF-style: chr12-2605792-G-C. GRCh37 (hg19) VCF-style: chr12-2714958-G-C.
Other names: c.3156+6G>C (NM_001167624.3, NM_001167623.2, NM_001167625.2 and 15 more transcripts); c.3216+6G>C (NM_199460.4, NM_001129827.2, NM_001129832.2); c.3147+6G>C (NM_001129844.2).
Identifiers: ClinVar variation 93400 (VCV000093400.10), dbSNP rs398123520, ClinGen allele CA221290.